The following is an entry in ClinVar:

NM_182925.5(FLT4):c.2554G>T (p.Gly852Cys)

Gene: FLT4 (fms related receptor tyrosine kinase 4; minus strand). Cytogenetic location: 5q35.3.
Variant type: single nucleotide variant.
Coding change: c.2554G>T on transcript NM_182925.5 (MANE Select); coding-DNA position 2554, G replaced by T.
Protein change: p.Gly852Cys; replaces glycine 852 with cysteine.
Molecular consequence: missense variant.
Genome position (GRCh38, 1-based): chr5:180,619,758, C>A on the plus strand (G>T on the coding strand, the complement: FLT4 is on the minus strand). VCF-style: chr5-180619758-C-A. GRCh37 (hg19) VCF-style: chr5-180046758-C-A.
Other names: c.2554G>T, p.Gly852Cys (NM_001354989.2, NM_002020.5); short protein forms G852C.
Identifiers: ClinVar variation 3766055 (VCV003766055.2).
Genomic context (GRCh38, chr5:180,619,758, plus strand): 5'-TGCTGCCCTTGTGGATGCCGAAAGCGGAGGCTTCCACCACCTTCCCGAAGGCGCCGTAGC[C>A]GAGCACTCTCCCTGTCGGGGCAGGGGGCCAGTTGCAGGTGAGCTGTACGGGGTGAGCGTG-3'
Protein context (NP_891555.2, residues 842-862): RERLHLGRVL[Gly852Cys]YGAFGKVVEA

ClinVar aggregate classification (germline): Pathogenic (1 of 4 stars; one submission).

Submission:

GeneDx
Classification: Pathogenic. Last evaluated: 2026-01-20. Review status: criteria provided, single submitter. Criteria: GeneDx Variant Classification Process June 2021. Collection method: clinical testing. Allele origin: germline.
Comment: Reported in the published literature in patients with lymphedema (PMID: 24167460, 34681005); Not observed at significant frequency in large population cohorts (gnomAD); In silico analysis supports that this missense variant has a deleterious effect on protein structure/function; This variant is associated with the following publications: (PMID: 34681005, LiuN2023[CaseReport], 10835628, 11114740, 24167460)